The following is an entry in ClinVar:

NM_005477.3(HCN4):c.3317C>T (p.Pro1106Leu)

Gene: HCN4 (hyperpolarization activated cyclic nucleotide gated potassium channel 4; minus strand). Cytogenetic location: 15q24.1.
Variant type: single nucleotide variant.
Coding change: c.3317C>T on transcript NM_005477.3 (MANE Select); coding-DNA position 3317, C replaced by T.
Protein change: p.Pro1106Leu; replaces proline 1106 with leucine.
Molecular consequence: missense variant.
Genome position (GRCh38, 1-based): chr15:73,322,776, G>A on the plus strand (C>T on the coding strand, the complement: HCN4 is on the minus strand). VCF-style: chr15-73322776-G-A. GRCh37 (hg19) VCF-style: chr15-73615117-G-A.
Other names: short protein forms P1106L.
Identifiers: ClinVar variation 1354312 (VCV001354312.11), dbSNP rs940405280, ClinGen allele CA272663408.

ClinVar aggregate classification (germline): Uncertain significance. Review status: criteria provided, multiple submitters, no conflicts (2 of 4 stars). 2 submissions from 2 submitters: Uncertain significance (2). Last evaluated 2025-12-21.

Conditions:
Cardiovascular phenotype. Identifiers: MedGen CN230736.
Brugada syndrome 8 (BRGDA8). Identifiers: Orphanet 130, MedGen C2751083, MONDO:0013148, OMIM 613123.

Allele frequency attached by ClinVar (database versions not stated): gnomAD 0.00001; TOPMed 0.00001; gnomAD exomes 0.00002.
gnomAD v4.1: 12 of 1,556,786 alleles (0.00077%); highest among the groups gnomAD compares: East Asian, 0.0046%; no homozygotes.

Submissions (2):

Labcorp Genetics (formerly Invitae), Labcorp
Classification: Uncertain significance for Brugada syndrome 8. Last evaluated: 2025-12-21. Review status: criteria provided, single submitter. Criteria: Invitae Variant Classification Sherloc (09022015). Collection method: clinical testing. Allele origin: germline.
Comment: This sequence change replaces proline, which is neutral and non-polar, with leucine, which is neutral and non-polar, at codon 1106 of the HCN4 protein (p.Pro1106Leu). The frequency data for this variant in the population databases is considered unreliable, as metrics indicate poor data quality at this position in the gnomAD database. This variant has not been reported in the literature in individuals affected with HCN4-related conditions. ClinVar contains an entry for this variant (Variation ID: 1354312). Invitae Evidence Modeling of protein sequence and biophysical properties (such as structural, functional, and spatial information, amino acid conservation, physicochemical variation, residue mobility, and thermodynamic stability) indicates that this missense variant is not expected to disrupt HCN4 protein function with a negative predictive value of 95%. In summary, the available evidence is currently insufficient to determine the role of this variant in disease. Therefore, it has been classified as a Variant of Uncertain Significance.

Ambry Genetics
Classification: Uncertain significance for Cardiovascular phenotype. Last evaluated: 2025-03-26. Review status: criteria provided, single submitter. Criteria: Ambry Variant Classification Scheme 2023. Collection method: clinical testing. Allele origin: germline.
Comment: The p.P1106L variant (also known as c.3317C>T), located in coding exon 8 of the HCN4 gene, results from a C to T substitution at nucleotide position 3317. The proline at codon 1106 is replaced by leucine, an amino acid with similar properties. This amino acid position is not well conserved in available vertebrate species. In addition, the in silico prediction for this alteration is inconclusive. Based on the available evidence, the clinical significance of this variant remains unclear.